The following is an entry in ClinVar:

ClinVar aggregate classification (germline): Benign/Likely benign. Review status: criteria provided, multiple submitters, no conflicts (2 of 4 stars). 3 submissions from 3 submitters: Benign (1); Likely benign (2). Last evaluated 2024-10-30.

Conditions:
3-hydroxyisobutyryl-CoA hydrolase deficiency. Also called: HIBCH DEFICIENCY; METHACRYLIC ACID TOXICITY; METHACRYLIC ACIDURIA; Reduced circulating 3-hydroxyisobutyryl-CoA hydrolase activity; Deficiency of 3-hydroxyisobutyryl CoA hydrolase; VALINE METABOLIC DEFECT. Identifiers: Orphanet 88639, MedGen C0342738, MONDO:0009603, OMIM 250620, HP:6000215.

Allele frequency attached by ClinVar (database versions not stated): gnomAD 0.00014 and 0.00016; TOPMed 0.00017; gnomAD exomes 0.00030; 1000 Genomes Project 30x 0.00031; ExAC 0.00034; 1000 Genomes Project 0.00040.
gnomAD v4.1: 154 of 1,605,308 alleles (0.0096%); highest among the groups gnomAD compares: East Asian, 0.094%; 1 homozygote.

Submissions (3):

Labcorp Genetics (formerly Invitae), Labcorp
Classification: Benign for 3-hydroxyisobutyryl-CoA hydrolase deficiency. Last evaluated: 2024-10-30. Review status: criteria provided, single submitter. Criteria: Invitae Variant Classification Sherloc (09022015). Collection method: clinical testing. Allele origin: germline.

Blueprint Genetics
Classification: Likely benign. Last evaluated: 2024-09-07. Review status: criteria provided, single submitter. Criteria: ACMG Guidelines, 2015. Collection method: clinical testing. Allele origin: germline.

GeneDx
Classification: Likely benign. Last evaluated: 2018-06-07. Review status: criteria provided, single submitter. Criteria: GeneDx Variant Classification (06012015). Collection method: clinical testing. Allele origin: germline. Affected: yes.
Comment: This variant is considered likely benign or benign based on one or more of the following criteria: it is a conservative change, it occurs at a poorly conserved position in the protein, it is predicted to be benign by multiple in silico algorithms, and/or has population frequency not consistent with disease.

NM_014362.4(HIBCH):c.1011+11A>T

Gene: HIBCH (3-hydroxyisobutyryl-CoA hydrolase; minus strand). Cytogenetic location: 2q32.2.
Variant type: single nucleotide variant.
Coding change: c.1011+11A>T on transcript NM_014362.4 (MANE Select); 11 bases into the intron after coding-DNA position 1011, A replaced by T.
Molecular consequence: intron variant.
Genome position (GRCh38, 1-based): chr2:190,212,945, T>A on the plus strand (A>T on the coding strand, the complement: HIBCH is on the minus strand). VCF-style: chr2-190212945-T-A. GRCh37 (hg19) VCF-style: chr2-191077671-T-A.
Other names: c.1011+11A>T (NM_198047.3).
Identifiers: ClinVar variation 668485 (VCV000668485.10), dbSNP rs550386327, ClinGen allele CA2027404.